The following is an entry in ClinVar:

ClinVar aggregate classification (germline): Pathogenic (1 of 4 stars; one submission).

Conditions:
Primary ciliary dyskinesia 3. Identifiers: Orphanet 244, MedGen C1837618, MONDO:0012085, OMIM 608644.

Submission:

Myriad Genetics, Inc.
Classification: Pathogenic for Primary ciliary dyskinesia 3. Last evaluated: 2024-05-14. Review status: criteria provided, single submitter. Criteria: Myriad Autosomal Dominant, Autosomal Recessive and X-Linked Classification Criteria (2023). Collection method: clinical testing. Allele origin: unknown.
Comment: NM_001369.2(DNAH5):c.853_854ins13(A285Vfs*2) is expected to be pathogenic in the context of primary ciliary dyskinesia, DNAH5-related. This variant is predicted to lead to an abnormal or absent protein product due to the creation of a premature termination codon in DNAH5, a gene where loss-of-function variants are known to be pathogenic. Please note: this variant was assessed in the context of healthy population screening.

NM_001369.3(DNAH5):c.853_854insTATAAGAGACAGT (p.Ala285delinsValTer)

Gene: DNAH5 (dynein axonemal heavy chain 5; minus strand). Cytogenetic location: 5p15.2.
Variant type: Insertion.
Coding change: c.853_854insTATAAGAGACAGT on transcript NM_001369.3 (MANE Select); coding-DNA positions 853 to 854, TATAAGAGACAGT inserted.
Protein change: p.Ala285delinsValTer.
Molecular consequence: nonsense.
Genome position: GRCh38 VCF-style: chr5-13919297-G-GACTGTCTCTTATA. GRCh37 (hg19) VCF-style: chr5-13919406-G-GACTGTCTCTTATA.
Identifiers: ClinVar variation 5010959 (VCV005010959.1).